The following is an entry in ClinVar:

ClinVar aggregate classification (germline): Pathogenic/Likely pathogenic. Review status: criteria provided, multiple submitters, no conflicts (2 of 4 stars). 3 submissions from 3 submitters: Pathogenic (2); Likely pathogenic (1). Last evaluated 2026-06-30.

Conditions:
Multiple endocrine neoplasia, type 2 (MEN2). Identifiers: Orphanet 653, MedGen C4048306, MONDO:0019003. Disease mechanism: gain of function.
Hereditary cancer-predisposing syndrome. Also called: Hereditary Cancer Syndrome; Hereditary neoplastic syndrome; Neoplastic Syndromes, Hereditary; Tumor predisposition. Identifiers: Orphanet 140162, MedGen C0027672, MeSH D009386, MONDO:0015356.
RET-related disorder. Also called: RET-related condition; RET-related disease; RET-related disorders.

Submissions (3):

Ambry Genetics
Classification: Pathogenic for Hereditary cancer-predisposing syndrome. Last evaluated: 2026-06-30. Review status: criteria provided, single submitter. Criteria: Ambry Variant Classification Scheme 2023. Collection method: clinical testing. Allele origin: germline.
Comment: The c.206delG (p.G69Afs*155) alteration, located in exon 2 (coding exon 2) of the RET gene, consists of a deletion of one nucleotide at position 206, causing a translational frameshift with a predicted alternate stop codon after 155 amino acids. Loss-of-function variants in RET are known to cause Hirschsprung disease; however, such associations with Multiple Endocrine Neoplasia Type-2 (MEN2) have not been observed (Amiel, 2001; Wagner, 2012). for Hirschsprung disease; however, it is unlikely to be causative of Multiple Endocrine Neoplasia Type-2 (MEN2) This variant was not reported in population-based cohorts in the Genome Aggregation Database (gnomAD). Based on the available evidence, this alteration is classified as pathogenic.

Labcorp Genetics (formerly Invitae), Labcorp
Classification: Pathogenic for Multiple endocrine neoplasia, type 2. Last evaluated: 2025-10-26. Review status: criteria provided, single submitter. Criteria: Invitae Variant Classification Sherloc (09022015). Collection method: clinical testing. Allele origin: germline.
Comment: This sequence change creates a premature translational stop signal (p.Gly69Alafs*155) in the RET gene. It is expected to result in an absent or disrupted protein product. Loss-of-function variants in RET are known to be pathogenic (PMID: 22174939, 22648184). This variant is not present in population databases (gnomAD no frequency). This variant has not been reported in the literature in individuals affected with RET-related conditions. For these reasons, this variant has been classified as Pathogenic.

PreventionGenetics, part of Exact Sciences
Classification: Likely pathogenic for RET-related condition. Last evaluated: 2025-06-13. Review status: criteria provided, single submitter. Criteria: ACMG Guidelines, 2015. Collection method: clinical testing. Allele origin: germline.
Comment: The RET c.206delG variant is predicted to result in a frameshift and premature protein termination (p.Gly69Alafs*155). To our knowledge, this variant has not been reported in the literature or in a large population database (gnomAD), indicating this variant is rare. Frameshift variants in RET are expected to be pathogenic. This variant is interpreted as likely pathogenic.

Literature cited by the submitters: PubMed 11694544 (cited by Ambry Genetics); PubMed 22584710 (cited by Ambry Genetics); PubMed 22174939 (cited by Labcorp Genetics (formerly Invitae), Labcorp); PubMed 22648184 (cited by Labcorp Genetics (formerly Invitae), Labcorp).

NM_020975.6(RET):c.206del (p.Gly69fs)

Gene: RET (ret proto-oncogene; plus strand). Cytogenetic location: 10q11.21.
Variant type: Deletion.
Coding change: c.206del on transcript NM_020975.6 (MANE Select); coding-DNA position 206, one base deleted (G; older notation c.206delG).
Protein change: p.Gly69fs; shifts the reading frame from glycine 69.
Molecular consequence: frameshift variant. On other transcripts: intron variant (4).
Genome position (GRCh38, 1-based): chr10:43,100,591, G deleted; the last of 3 consecutive G bases (chr10:43,100,589-43,100,591); deleting any one gives the same sequence. VCF-style (leftmost placement, unchanged base first): chr10-43100588-TG-T. GRCh37 (hg19) VCF-style: chr10-43596036-TG-T.
Other names: c.206del, p.Gly69fs (NM_001406766.1, NM_001406767.1, NM_001406768.1 and 32 more transcripts); c.74-8440del (NM_001406784.1); c.74-11508del (NM_001406794.1, NM_001406792.1, NM_001406793.1); short protein forms G69fs.
Identifiers: ClinVar variation 4729887 (VCV004729887.3).